The following is an entry in ClinVar:

ClinVar aggregate classification (germline): Uncertain significance (1 of 4 stars; one submission).

Allele frequency attached by ClinVar (database versions not stated): gnomAD exomes below 0.00001; 1000 Genomes Project 0.00020; gnomAD 0.00001; 1000 Genomes Project 30x 0.00016.
gnomAD v4.1: 4 of 1,614,032 alleles (0.00025%); highest among the groups gnomAD compares: East Asian, 0.0022%; no homozygotes.

Submission:

Labcorp Genetics (formerly Invitae), Labcorp
Classification: Uncertain significance. Last evaluated: 2025-11-05. Review status: criteria provided, single submitter. Criteria: Invitae Variant Classification Sherloc (09022015). Collection method: clinical testing. Allele origin: germline.
Comment: This sequence change replaces proline, which is neutral and non-polar, with serine, which is neutral and polar, at codon 762 of the RAI1 protein (p.Pro762Ser). This variant is not present in population databases (gnomAD no frequency). This variant has not been reported in the literature in individuals affected with RAI1-related conditions. ClinVar contains an entry for this variant (Variation ID: 2869730). Invitae Evidence Modeling of protein sequence and biophysical properties (such as structural, functional, and spatial information, amino acid conservation, physicochemical variation, residue mobility, and thermodynamic stability) indicates that this missense variant is not expected to disrupt RAI1 protein function with a negative predictive value of 80%. In summary, the available evidence is currently insufficient to determine the role of this variant in disease. Therefore, it has been classified as a Variant of Uncertain Significance.

NM_030665.4(RAI1):c.2284C>T (p.Pro762Ser)

Gene: RAI1 (retinoic acid induced 1; plus strand). Cytogenetic location: 17p11.2.
Variant type: single nucleotide variant.
Coding change: c.2284C>T on transcript NM_030665.4 (MANE Select); coding-DNA position 2284, C replaced by T.
Protein change: p.Pro762Ser; replaces proline 762 with serine.
Molecular consequence: missense variant.
Genome position (GRCh38, 1-based): chr17:17,795,232, C>T. VCF-style: chr17-17795232-C-T. GRCh37 (hg19) VCF-style: chr17-17698546-C-T.
Other names: short protein forms P762S.
Identifiers: ClinVar variation 2869730 (VCV002869730.3), dbSNP rs547045960, ClinGen allele CA288368261.